The following is an entry in ClinVar:

NM_003982.4(SLC7A7):c.1034C>G (p.Pro345Arg)

Gene: SLC7A7 (solute carrier family 7 member 7; minus strand). Cytogenetic location: 14q11.2.
Variant type: single nucleotide variant.
Coding change: c.1034C>G on transcript NM_003982.4 (MANE Select); coding-DNA position 1034, C replaced by G.
Protein change: p.Pro345Arg; replaces proline 345 with arginine.
Molecular consequence: missense variant.
Genome position (GRCh38, 1-based): chr14:22,775,505, G>C on the plus strand (C>G on the coding strand, the complement: SLC7A7 is on the minus strand). VCF-style: chr14-22775505-G-C. GRCh37 (hg19) VCF-style: chr14-23244714-G-C.
Other names: p.Pro345Arg; c.1034C>G, p.Pro345Arg (NM_001126105.3, NM_001126106.4); short protein forms P345R.
Identifiers: ClinVar variation 3255596 (VCV003255596.3).
Genomic context (GRCh38, chr14:22,775,505, plus strand): 5'-TTGAAGAGCAGAGAAGGCACTGGTGTGAACCGCTCAACATGGATCATGCAGATGGCATCA[G>C]GGAGATGGCCTTCTCTTGAGCCCACAAAGAAAAGCCTATGTTAGGTAAGATAGGAGAAGC-3'
Protein context (NP_003973.3, residues 335-355): FFVGSREGHL[Pro345Arg]DAICMIHVER

ClinVar aggregate classification (germline): Conflicting classifications of pathogenicity. Review status: criteria provided, conflicting classifications (1 of 4 stars). 2 submissions from 2 submitters: Likely pathogenic (1); Uncertain significance (1). Last evaluated 2024-10-17.

Conditions:
Lysinuric protein intolerance (LPI). Identifiers: Orphanet 470, MedGen C0268647, MONDO:0009109, OMIM 222700.

gnomAD v4.1: 1 of 1,614,200 alleles (0.000062%); highest among the groups gnomAD compares: African/African-American, 0.0013%; no homozygotes.

Submissions (2):

3billion
Classification: Uncertain significance for Lysinuric protein intolerance. Last evaluated: 2024-10-17. Review status: criteria provided, single submitter. Criteria: ACMG Guidelines, 2015. Collection method: clinical testing. Allele origin: germline. Affected: yes.
Comment: The variant is observed at an extremely low frequency in the gnomAD v4.1.0 dataset (total allele frequency: <0.001%). Predicted Consequence/Location: Missense variant. The majority of the known disease-causing variants of this gene are variants expected to result in premature termination of the protein. In silico tool predictions suggest damaging effect of the variant on gene or gene product [REVEL: 0.98 (>=0.6, sensitivity 0.68 and specificity 0.92); 3Cnet: 0.67 (>=0.6, sensitivity 0.72 and precision 0.9)]. The same nucleotide change resulting in the same amino acid change has been previously reported to be associated with SLC7A7 related disorder (ClinVar ID: VCV003255596 /PMID: 22106832). However, the evidence of pathogenicity is insufficient at this time. Therefore, this variant is classified as VUS according to the recommendation of ACMG/AMP guideline.

Breakthrough Genomics
Classification: Likely pathogenic for Lysinuric protein intolerance. Last evaluated: 2023-07-12. Review status: criteria provided, single submitter. Criteria: ACMG Guidelines, 2015. Collection method: clinical testing. Allele origin: germline. Affected: yes.
Comment: This variant is predicted to be damaging by in-silico missense prediction tools (SIFT and Polyphen2).

Literature cited by the submitters: PubMed 22106832 (cited by 3billion).